The following is an entry in ClinVar:

ClinVar aggregate classification (germline): Uncertain significance (1 of 4 stars; one submission).

Conditions:
Brugada syndrome. Also called: Sudden unexplained nocturnal death syndrome; Sudden Unexplained Death Syndrome; Sudden Unexplained Nocturnal Death Syndrome (SUNDS); Sudden unexpected nocturnal death syndrome. Identifiers: Orphanet 130, MedGen C1142166, MONDO:0015263.

gnomAD v4.1: 3 of 1,610,812 alleles (0.00019%); highest among the groups gnomAD compares: African/African-American, 0.0027%; no homozygotes.

Submission:

Labcorp Genetics (formerly Invitae), Labcorp
Classification: Uncertain significance for Brugada syndrome. Last evaluated: 2023-11-09. Review status: criteria provided, single submitter. Criteria: Invitae Variant Classification Sherloc (09022015). Collection method: clinical testing. Allele origin: germline.
Comment: This sequence change replaces arginine, which is basic and polar, with leucine, which is neutral and non-polar, at codon 310 of the GPD1L protein (p.Arg310Leu). This variant is present in population databases (rs771520513, gnomAD 0.007%). This variant has not been reported in the literature in individuals affected with GPD1L-related conditions. Advanced modeling of protein sequence and biophysical properties (such as structural, functional, and spatial information, amino acid conservation, physicochemical variation, residue mobility, and thermodynamic stability) performed at Invitae indicates that this missense variant is not expected to disrupt GPD1L protein function with a negative predictive value of 80%. In summary, the available evidence is currently insufficient to determine the role of this variant in disease. Therefore, it has been classified as a Variant of Uncertain Significance.

NM_015141.4(GPD1L):c.929G>T (p.Arg310Leu)

Gene: GPD1L (glycerol-3-phosphate dehydrogenase 1 like; plus strand). Cytogenetic location: 3p22.3.
Variant type: single nucleotide variant.
Coding change: c.929G>T on transcript NM_015141.4 (MANE Select); coding-DNA position 929, G replaced by T.
Protein change: p.Arg310Leu; replaces arginine 310 with leucine.
Molecular consequence: missense variant.
Genome position (GRCh38, 1-based): chr3:32,159,644, G>T. VCF-style: chr3-32159644-G-T. GRCh37 (hg19) VCF-style: chr3-32201136-G-T.
Other names: short protein forms R310L.
Identifiers: ClinVar variation 2920561 (VCV002920561.3), dbSNP rs771520513, ClinGen allele CA2296787.
Genomic context (GRCh38, chr3:32,159,644, plus strand): 5'-AGAAGGAGATGCTGAATGGGCAAAAGCTCCAAGGACCGCAGACTTCTGCTGAAGTGTACC[G>T]CATCCTCAAACAGAAGGGACTACTGGACAAGTAAGTCTCTCAGTCGCCCATGAGACCAGA-3'
Protein context (NP_055956.1, residues 300-320): QGPQTSAEVY[Arg310Leu]ILKQKGLLDK